The following is an entry in ClinVar:

NM_198565.3(NRROS):c.1816del (p.Ala606fs)

Gene: NRROS (negative regulator of reactive oxygen species; plus strand). Cytogenetic location: 3q29.
Variant type: Deletion.
Coding change: c.1816del on transcript NM_198565.3 (MANE Select); coding-DNA position 1816, one base deleted (G; older notation c.1816delG).
Protein change: p.Ala606fs; shifts the reading frame from alanine 606.
Molecular consequence: frameshift variant.
Genome position (GRCh38, 1-based): chr3:196,661,459, G deleted; the last of 6 consecutive G bases (chr3:196,661,454-196,661,459); deleting any one gives the same sequence. VCF-style (leftmost placement, unchanged base first): chr3-196661453-TG-T. GRCh37 (hg19) VCF-style: chr3-196388324-TG-T.
Other names: p.Ala606ProfsTer25; short protein forms A606fs.
Identifiers: ClinVar variation 2663752 (VCV002663752.2), dbSNP rs1201594317, ClinGen allele CA645530380.

ClinVar aggregate classification (germline): Likely pathogenic (1 of 4 stars; one submission).

Conditions:
Seizures, early-onset, with neurodegeneration and brain calcifications. Identifiers: MedGen C5394359, MONDO:0030033, OMIM 618875.

Submission:

Foundation for Research in Genetics and Endocrinology, FRIGE's Institute of Human Genetics
Classification: Likely pathogenic for Seizures, early-onset, with neurodegeneration and brain calcifications. Last evaluated: 2023-11-21. Review status: criteria provided, single submitter. Criteria: ACMG Guidelines, 2015. Collection method: clinical testing. Allele origin: germline. Inheritance: Autosomal recessive inheritance. Affected: yes. Observed: 1 homozygote.
Comment: A homozygous 1 base pair deletion in exon 3 of the NRROS gene that results in a frameshift and premature truncation of the protein 25 amino acids downstream to codon 606 (p.Ala606ProfsTer25) was detected. The p.Ala606ProfsTer25 variant has not been reported in the 1000 genomes, gnomAD (v3.1), gnomAD (v2.1) and topmed databases. The in silico prediction of the variant is damaging by MuttaionTaster2. The reference region is conserved across species. In summary, the variant meets our criteria to be classified as likely pathogenic.